The following is an entry in ClinVar:

NM_000548.5(TSC2):c.346T>G (p.Leu116Val)

Gene: TSC2 (TSC complex subunit 2; plus strand). Cytogenetic location: 16p13.3.
Variant type: single nucleotide variant.
Coding change: c.346T>G on transcript NM_000548.5 (MANE Select); coding-DNA position 346, T replaced by G.
Protein change: p.Leu116Val; replaces leucine 116 with valine.
Molecular consequence: missense variant. On other transcripts: intron variant (1).
Genome position (GRCh38, 1-based): chr16:2,054,305, T>G. VCF-style: chr16-2054305-T-G. GRCh37 (hg19) VCF-style: chr16-2104306-T-G.
Other names: c.346T>G, p.Leu116Val (NM_001077183.3, NM_001114382.3, NM_001363528.2 and 8 more transcripts); c.235T>G, p.Leu79Val (NM_001318827.2, NM_001406670.1, NM_001406678.1); c.199T>G, p.Leu67Val (NM_001318829.2, NM_001406675.1, NM_001406676.1 and 1 more transcripts); c.379T>G, p.Leu127Val (NM_001318832.2); c.436T>G, p.Leu146Val (NM_001406667.1, NM_001406668.1); c.289T>G, p.Leu97Val (NM_001406677.1); c.-471T>G (NM_001406680.1, NM_001406683.1, NM_001406687.1); c.-100T>G (NM_001406681.1); and 6 more; short protein forms L127V, L116V, L97V, L146V, L79V, L67V.
Identifiers: ClinVar variation 2119578 (VCV002119578.5), dbSNP rs751923657, ClinGen allele CA394306438.

ClinVar aggregate classification (germline): Uncertain significance. Review status: criteria provided, multiple submitters, no conflicts (2 of 4 stars). 2 submissions from 2 submitters: Uncertain significance (2). Last evaluated 2024-04-11.

Conditions:
Tuberous sclerosis 2 (TSC2). Identifiers: Orphanet 805, MedGen C1860707, MONDO:0013199, OMIM 613254.
Hereditary cancer-predisposing syndrome. Also called: Tumor predisposition; Hereditary Cancer Syndrome; Neoplastic Syndromes, Hereditary; Hereditary neoplastic syndrome. Identifiers: Orphanet 140162, MedGen C0027672, MeSH D009386, MONDO:0015356.

Submissions (2):

Ambry Genetics
Classification: Uncertain significance for Hereditary cancer-predisposing syndrome. Last evaluated: 2024-04-11. Review status: criteria provided, single submitter. Criteria: Ambry Variant Classification Scheme 2023. Collection method: clinical testing. Allele origin: germline.
Comment: The p.L116V variant (also known as c.346T>G), located in coding exon 4 of the TSC2 gene, results from a T to G substitution at nucleotide position 346. The leucine at codon 116 is replaced by valine, an amino acid with highly similar properties. This amino acid position is highly conserved in available vertebrate species. In addition, the in silico prediction for this alteration is inconclusive. Based on the available evidence, the clinical significance of this variant remains unclear.

Labcorp Genetics (formerly Invitae), Labcorp
Classification: Uncertain significance for Tuberous sclerosis 2. Last evaluated: 2022-08-23. Review status: criteria provided, single submitter. Criteria: Invitae Variant Classification Sherloc (09022015). Collection method: clinical testing. Allele origin: germline.
Comment: Advanced modeling of protein sequence and biophysical properties (such as structural, functional, and spatial information, amino acid conservation, physicochemical variation, residue mobility, and thermodynamic stability) performed at Invitae indicates that this missense variant is not expected to disrupt TSC2 protein function. In summary, the available evidence is currently insufficient to determine the role of this variant in disease. Therefore, it has been classified as a Variant of Uncertain Significance. This variant has not been reported in the literature in individuals affected with TSC2-related conditions. This variant is not present in population databases (gnomAD no frequency). This sequence change replaces leucine, which is neutral and non-polar, with valine, which is neutral and non-polar, at codon 116 of the TSC2 protein (p.Leu116Val).